The following is an entry in ClinVar:

ClinVar aggregate classification (germline): Uncertain significance (0 of 4 stars; one submission).

Conditions:
BCORL1-related disorder. Also called: BCORL1-related condition.

gnomAD v4.1: 4 of 1,211,353 alleles (0.00033%); highest among the groups gnomAD compares: Non-Finnish European, 0.00045%; no homozygotes.

Submission:

PreventionGenetics, part of Exact Sciences
Classification: Uncertain significance for BCORL1-related condition. Last evaluated: 2024-06-26. Review status: no assertion criteria provided. Collection method: clinical testing. Allele origin: germline.
Comment: The BCORL1 c.2074G>A variant is predicted to result in the amino acid substitution p.Glu692Lys. To our knowledge, this variant has not been reported in the literature or in a large population database, indicating this variant is rare. At this time, the clinical significance of this variant is uncertain due to the absence of conclusive functional and genetic evidence.

NM_001379451.1(BCORL1):c.2074G>A (p.Glu692Lys)

Gene: BCORL1 (BCL6 corepressor like 1; plus strand). Cytogenetic location: Xq26.1.
Variant type: single nucleotide variant.
Coding change: c.2074G>A on transcript NM_001379451.1 (MANE Select); coding-DNA position 2074, G replaced by A.
Protein change: p.Glu692Lys; replaces glutamic acid 692 with lysine.
Molecular consequence: missense variant.
Genome position (GRCh38, 1-based): chrX:130,014,846, G>A. VCF-style: chrX-130014846-G-A. GRCh37 (hg19) VCF-style: chrX-129148822-G-A.
Other names: c.2074G>A, p.Glu692Lys (NM_001184772.3, NM_001379450.1, NM_021946.5); short protein forms E692K.
Identifiers: ClinVar variation 3351841 (VCV003351841.1).